The following is an entry in ClinVar:

ClinVar aggregate classification (germline): Pathogenic (3 of 4 stars; one submission).

Conditions:
Breast-ovarian cancer, familial, susceptibility to, 1 (BROVCA1). Also called: BRCA1 Hereditary Breast and Ovarian Cancer; OVARIAN CANCER, SUSCEPTIBILITY TO. Identifiers: Orphanet 145, MedGen C2676676, MONDO:0011450, OMIM 604370. Disease mechanism: loss of function.

Submission:

Evidence-based Network for the Interpretation of Germline Mutant Alleles (ENIGMA)
Classification: Pathogenic for Breast-ovarian cancer, familial, susceptibility to, 1. Last evaluated: 2016-09-08. Review status: reviewed by expert panel. Criteria: ENIGMA BRCA1/2 Classification Criteria (2015). Collection method: curation. Allele origin: germline.
Comment: Variant allele predicted to encode a truncated non-functional protein.

NM_007294.4(BRCA1):c.2689_2690insAC (p.Pro897fs)

Gene: BRCA1 (BRCA1 DNA repair associated; minus strand). Cytogenetic location: 17q21.31.
Variant type: Insertion.
Coding change: c.2689_2690insAC on transcript NM_007294.4 (MANE Select); coding-DNA positions 2689 to 2690, AC inserted.
Protein change: p.Pro897fs; shifts the reading frame from proline 897.
Molecular consequence: frameshift variant. On other transcripts: intron variant (137).
Genome position: GRCh38 VCF-style: chr17-43092841-G-GGT. GRCh37 (hg19) VCF-style: chr17-41244858-G-GGT.
Other names: c.2689_2690insAC, p.Pro897fs (NM_007294.3, NM_001407581.1, NM_001407582.1 and 31 more transcripts); c.785-1810_785-1809insCA (NM_001407972.1, NM_001408397.1, NM_001408401.1 and 13 more transcripts); c.665-1810_665-1809insCA (NM_001408441.1, NM_001408437.1, NM_001408429.1 and 12 more transcripts); c.788-1810_788-1809insCA (NM_001407979.1, NM_001407977.1, NM_001407982.1 and 17 more transcripts); c.647-1810_647-1809insCA (NM_001408410.1, NM_001408458.1, NM_001408469.1 and 11 more transcripts); c.710-1810_710-1809insCA (NM_001408415.1, NM_001408412.1, NM_001408409.1 and 2 more transcripts); c.578-1810_578-1809insCA (NM_001408483.1, NM_001408481.1, NM_001408480.1 and 9 more transcripts); c.2476_2477insAC, p.Pro826fs (NM_001407571.1, NM_001407853.1, NM_001407894.1 and 9 more transcripts); and 41 more; short protein forms P897fs, P850fs, P729fs, P770fs, P808fs, P849fs, P896fs, P786fs.
Identifiers: ClinVar variation 254418 (VCV000254418.3), dbSNP rs1555589138, ClinGen allele CA10586640.